The following is an entry in ClinVar:

ClinVar aggregate classification (germline): Likely benign (1 of 4 stars; one submission).

gnomAD v4.1: 67 of 1,206,515 alleles (0.0056%); highest among the groups gnomAD compares: Admixed American, 0.13%; 1 homozygote.

Submission:

CeGaT Center for Human Genetics Tuebingen
Classification: Likely benign. Last evaluated: 2026-07-01. Review status: criteria provided, single submitter. Criteria: CeGaT Center For Human Genetics Tuebingen Variant Classification Criteria Version 2. Collection method: clinical testing. Allele origin: germline. Affected: yes. Observed: 1 variant allele.
Comment: BCORL1: BP4, BP7, BS2

NM_001379451.1(BCORL1):c.1272A>G (p.Ala424=)

Gene: BCORL1 (BCL6 corepressor like 1; plus strand). Cytogenetic location: Xq26.1.
Variant type: single nucleotide variant.
Coding change: c.1272A>G on transcript NM_001379451.1 (MANE Select); coding-DNA position 1272, A replaced by G.
Protein change: p.Ala424=; no amino-acid change (alanine 424 retained).
Molecular consequence: synonymous variant.
Genome position (GRCh38, 1-based): chrX:130,014,044, A>G. VCF-style: chrX-130014044-A-G. GRCh37 (hg19) VCF-style: chrX-129148020-A-G.
Other names: c.1272A>G, p.Ala424= (NM_001184772.3, NM_001379450.1, NM_001441326.1 and 7 more transcripts).
Identifiers: ClinVar variation 5038830 (VCV005038830.1).
Genomic context (GRCh38, chrX:130,014,044, plus strand): 5'-CATTCCCACCTCTGCACCCATCCCGGCCTCCTTCAGTTTGAGTAGAGTGTGCTTTCCTGC[A>G]GCTCAGGCACCAGCTATGCAAAAAGTCCCCCTGTCCTTTCAGCCAGGGACAGTGCTGACC-3'
Protein context (NP_001366380.1, residues 414-434): SFSLSRVCFP[Ala424=]AQAPAMQKVP